The following is an entry in ClinVar:

ClinVar aggregate classification (germline): Uncertain significance (1 of 4 stars; one submission).

Conditions:
Hereditary cancer-predisposing syndrome. Also called: Tumor predisposition; Hereditary Cancer Syndrome; Hereditary neoplastic syndrome; Neoplastic Syndromes, Hereditary. Identifiers: Orphanet 140162, MedGen C0027672, MeSH D009386, MONDO:0015356.

Submission:

Ambry Genetics
Classification: Uncertain significance for Hereditary cancer-predisposing syndrome. Last evaluated: 2025-07-08. Review status: criteria provided, single submitter. Criteria: Ambry Variant Classification Scheme 2023. Collection method: clinical testing. Allele origin: germline.
Comment: The p.G19V variant (also known as c.56G>T), located in coding exon 1 of the SMARCA4 gene, results from a G to T substitution at nucleotide position 56. The glycine at codon 19 is replaced by valine, an amino acid with dissimilar properties. This amino acid position is highly conserved in available vertebrate species. In addition, this alteration is predicted to be deleterious by in silico analysis. Based on the available evidence, the clinical significance of this variant remains unclear.

NM_003072.5(SMARCA4):c.56G>T (p.Gly19Val)

Gene: SMARCA4 (SWI/SNF related BAF chromatin remodeling complex subunit ATPase 4; plus strand). Cytogenetic location: 19p13.2.
Variant type: single nucleotide variant.
Coding change: c.56G>T on transcript NM_003072.5 (MANE Select); coding-DNA position 56, G replaced by T.
Protein change: p.Gly19Val; replaces glycine 19 with valine.
Molecular consequence: missense variant. On other transcripts: non-coding transcript variant (1).
Genome position (GRCh38, 1-based): chr19:10,984,207, G>T. VCF-style: chr19-10984207-G-T. GRCh37 (hg19) VCF-style: chr19-11094883-G-T.
Other names: c.56G>T, p.Gly19Val (NM_001128844.3, NM_001128845.2, NM_001128846.2 and 6 more transcripts); short protein forms G19V.
Identifiers: ClinVar variation 2587130 (VCV002587130.3), dbSNP rs1222542093, ClinGen allele CA404054015.